The following is an entry in ClinVar:

NM_001046.3(SLC12A2):c.1493C>T (p.Ala498Val)

Gene: SLC12A2 (solute carrier family 12 member 2; plus strand). Cytogenetic location: 5q23.3.
Variant type: single nucleotide variant.
Coding change: c.1493C>T on transcript NM_001046.3 (MANE Select); coding-DNA position 1493, C replaced by T.
Protein change: p.Ala498Val; replaces alanine 498 with valine.
Molecular consequence: missense variant. On other transcripts: non-coding transcript variant (1).
Genome position (GRCh38, 1-based): chr5:128,138,681, C>T. VCF-style: chr5-128138681-C-T. GRCh37 (hg19) VCF-style: chr5-127474373-C-T.
Other names: c.1493C>T, p.Ala498Val (NM_001256461.2); short protein forms A498V.
Identifiers: ClinVar variation 4532765 (VCV004532765.1).

ClinVar aggregate classification (germline): Uncertain significance (1 of 4 stars; one submission).

Submission:

GeneDx
Classification: Uncertain significance. Last evaluated: 2025-05-29. Review status: criteria provided, single submitter. Criteria: GeneDx Variant Classification Process June 2021. Collection method: clinical testing. Allele origin: germline. Affected: yes.
Comment: Not observed at significant frequency in large population cohorts (gnomAD); In silico analysis supports that this missense variant has a deleterious effect on protein structure/function; Has not been previously published as pathogenic or benign to our knowledge